The following is an entry in ClinVar:

NM_005045.4(RELN):c.8668A>G (p.Thr2890Ala)

Genes: RELN (reelin; minus strand), SLC26A5-AS1 (SLC26A5 antisense RNA 1; plus strand). Cytogenetic location: 7q22.1.
Variant type: single nucleotide variant.
Coding change: c.8668A>G on transcript NM_005045.4 (MANE Select); coding-DNA position 8668, A replaced by G.
Protein change: p.Thr2890Ala; replaces threonine 2890 with alanine.
Molecular consequence: missense variant.
Genome position (GRCh38, 1-based): chr7:103,498,252, T>C on the plus strand (A>G on the coding strand, the complement: RELN is on the minus strand). VCF-style: chr7-103498252-T-C. GRCh37 (hg19) VCF-style: chr7-103138699-T-C.
Other names: c.8668A>G, p.Thr2890Ala (NM_173054.3); short protein forms T2890A.
Identifiers: ClinVar variation 2420499 (VCV002420499.6), dbSNP rs777655123, ClinGen allele CA4420406.
Genomic context (GRCh38, chr7:103,498,252, plus strand): 5'-CTAAGGACATCCATAAGTCAGGTTTGATTTCTTCACTGTCAAAGCGTTCCTTCAGGAAAG[T>C]CTGGAAATAAAATAAGCCAGATGTGGTTAAAAAAACAATTTCAGATAACTATGGAATATT-3'
Protein context (NP_005036.2, residues 2880-2900): PNCYLTHTLK[Thr2890Ala]FLKERFDSEE

ClinVar aggregate classification (germline): Uncertain significance (1 of 4 stars; one submission).

Conditions:
Norman-Roberts syndrome (LIS2). Also called: Lissencephaly 2 (Norman-Roberts type). Identifiers: Orphanet 89844, MedGen C0796089, MONDO:0009760, OMIM 257320.
Familial temporal lobe epilepsy 7. Identifiers: Orphanet 101046, MedGen C4225327, MONDO:0014639, OMIM 616436.

Allele frequency attached by ClinVar (database versions not stated): ExAC 0.00001; gnomAD exomes 0.00001.
gnomAD v4.1: 8 of 1,613,544 alleles (0.0005%); highest among the groups gnomAD compares: Admixed American, 0.005%; no homozygotes.

Submission:

Labcorp Genetics (formerly Invitae), Labcorp
Classification: Uncertain significance for Familial temporal lobe epilepsy 7; Norman-Roberts syndrome. Last evaluated: 2024-02-17. Review status: criteria provided, single submitter. Criteria: Invitae Variant Classification Sherloc (09022015). Collection method: clinical testing. Allele origin: germline.
Comment: This sequence change replaces threonine, which is neutral and polar, with alanine, which is neutral and non-polar, at codon 2890 of the RELN protein (p.Thr2890Ala). This variant is present in population databases (rs777655123, gnomAD 0.003%). This variant has not been reported in the literature in individuals affected with RELN-related conditions. ClinVar contains an entry for this variant (Variation ID: 2420499). An algorithm developed to predict the effect of missense changes on protein structure and function (PolyPhen-2) suggests that this variant is likely to be disruptive. In summary, the available evidence is currently insufficient to determine the role of this variant in disease. Therefore, it has been classified as a Variant of Uncertain Significance.